The following is an entry in ClinVar:

ClinVar aggregate classification (germline): Benign/Likely benign. Review status: criteria provided, multiple submitters, no conflicts (2 of 4 stars). 4 submissions from 4 submitters: Benign (1); Likely benign (3). Last evaluated 2025-07-25.

Conditions:
Familial cancer of breast. Also called: BREAST CANCER, FAMILIAL; Hereditary breast cancer; hereditary breast carcinoma. Identifiers: Orphanet 227535, MedGen C0346153, MONDO:0016419, OMIM 114480. Disease mechanism: loss of function.
Hereditary cancer-predisposing syndrome. Also called: Neoplastic Syndromes, Hereditary; Tumor predisposition; Hereditary Cancer Syndrome; Hereditary neoplastic syndrome. Identifiers: Orphanet 140162, MedGen C0027672, MeSH D009386, MONDO:0015356.

Allele frequency attached by ClinVar (database versions not stated): gnomAD exomes below 0.00001.

Submissions (4):

Color Diagnostics, LLC DBA Color Health
Classification: Likely benign for Hereditary cancer-predisposing syndrome. Last evaluated: 2025-07-25. Review status: criteria provided, single submitter. Criteria: ACMG Guidelines, 2015. Collection method: clinical testing. Allele origin: germline.

Labcorp Genetics (formerly Invitae), Labcorp
Classification: Likely benign for Familial cancer of breast. Last evaluated: 2025-05-05. Review status: criteria provided, single submitter. Criteria: Invitae Variant Classification Sherloc (09022015). Collection method: clinical testing. Allele origin: germline.

Myriad Genetics, Inc.
Classification: Benign for Familial cancer of breast. Last evaluated: 2025-01-15. Review status: criteria provided, single submitter. Criteria: Myriad Autosomal Dominant, Autosomal Recessive and X-Linked Classification Criteria (2023). Collection method: clinical testing. Allele origin: unknown.
Comment: This variant is considered benign. This variant is a silent/synonymous amino acid change and it is not expected to impact splicing.

Ambry Genetics
Classification: Likely benign for Hereditary cancer-predisposing syndrome. Last evaluated: 2017-09-07. Review status: criteria provided, single submitter. Criteria: Ambry Variant Classification Scheme 2023. Collection method: clinical testing. Allele origin: germline.

NM_024675.4(PALB2):c.2115T>C (p.Tyr705=)

Gene: PALB2 (partner and localizer of BRCA2; minus strand). Cytogenetic location: 16p12.2.
Variant type: single nucleotide variant.
Coding change: c.2115T>C on transcript NM_024675.4 (MANE Select); coding-DNA position 2115, T replaced by C.
Protein change: p.Tyr705=; no amino-acid change (tyrosine 705 retained).
Molecular consequence: synonymous variant.
Genome position (GRCh38, 1-based): chr16:23,630,039, A>G on the plus strand (T>C on the coding strand, the complement: PALB2 is on the minus strand). VCF-style: chr16-23630039-A-G. GRCh37 (hg19) VCF-style: chr16-23641360-A-G.
Identifiers: ClinVar variation 482069 (VCV000482069.18), dbSNP rs1370808088, ClinGen allele CA494461182.
Genomic context (GRCh38, chr16:23,630,039, plus strand): 5'-TGAACACATGTCTGTGGTAGGCCTGTCATTATCATCAGGCGCAACCGTATTTAAAGGAGT[A>G]TAAAGTAATATGGATGAAGAAAGGCCCGTCTTTGTATGCTGGCTTTGCGAGTTTGGCCTT-3'
Protein context (NP_078951.2, residues 695-715): KTGLSSSILL[Tyr705=]TPLNTVAPDD